The following is an entry in ClinVar:

NM_032444.4(SLX4):c.4195G>T (p.Asp1399Tyr)

Gene: SLX4 (SLX4 structure-specific endonuclease subunit; minus strand). Cytogenetic location: 16p13.3.
Variant type: single nucleotide variant.
Coding change: c.4195G>T on transcript NM_032444.4 (MANE Select); coding-DNA position 4195, G replaced by T.
Protein change: p.Asp1399Tyr; replaces aspartic acid 1399 with tyrosine.
Molecular consequence: missense variant.
Genome position (GRCh38, 1-based): chr16:3,589,443, C>A on the plus strand (G>T on the coding strand, the complement: SLX4 is on the minus strand). VCF-style: chr16-3589443-C-A. GRCh37 (hg19) VCF-style: chr16-3639444-C-A.
Other names: short protein forms D1399Y.
Identifiers: ClinVar variation 3001578 (VCV003001578.3), dbSNP rs2548211416, ClinGen allele CA394518196.

ClinVar aggregate classification (germline): Uncertain significance (1 of 4 stars; one submission).

Conditions:
Fanconi anemia (FA). Also called: Fanconi's anemia. Identifiers: Orphanet 84, MedGen C0015625, MeSH D005199, MONDO:0019391.

Submission:

Labcorp Genetics (formerly Invitae), Labcorp
Classification: Uncertain significance for Fanconi anemia. Last evaluated: 2022-11-17. Review status: criteria provided, single submitter. Criteria: Invitae Variant Classification Sherloc (09022015). Collection method: clinical testing. Allele origin: germline.
Comment: Algorithms developed to predict the effect of missense changes on protein structure and function are either unavailable or do not agree on the potential impact of this missense change (SIFT: "Deleterious"; PolyPhen-2: "Possibly Damaging"; Align-GVGD: "Class C15"). In summary, the available evidence is currently insufficient to determine the role of this variant in disease. Therefore, it has been classified as a Variant of Uncertain Significance. This variant has not been reported in the literature in individuals affected with SLX4-related conditions. This variant is not present in population databases (gnomAD no frequency). This sequence change replaces aspartic acid, which is acidic and polar, with tyrosine, which is neutral and polar, at codon 1399 of the SLX4 protein (p.Asp1399Tyr).